The following is an entry in ClinVar:

NM_000133.4(F9):c.819T>C (p.Val273=)

Gene: F9 (coagulation factor IX; plus strand). Cytogenetic location: Xq27.1.
Variant type: single nucleotide variant.
Coding change: c.819T>C on transcript NM_000133.4 (MANE Select); coding-DNA position 819, T replaced by C.
Protein change: p.Val273=; no amino-acid change (valine 273 retained).
Molecular consequence: synonymous variant.
Genome position (GRCh38, 1-based): chrX:139,560,836, T>C. VCF-style: chrX-139560836-T-C. GRCh37 (hg19) VCF-style: chrX-138642995-T-C.
Other names: F9, VAL227VAL; V227V; c.705T>C, p.Val235= (NM_001313913.2).
Identifiers: ClinVar variation 10600 (VCV000010600.31), dbSNP rs1800455, ClinGen allele CA121132.

ClinVar aggregate classification (germline): Benign/Likely benign. Review status: criteria provided, multiple submitters, no conflicts (2 of 4 stars). 6 submissions from 6 submitters: Benign (1); Likely benign (3). 2 of the submissions do not count toward it. Last evaluated 2026-01-31.

Conditions:
F9-related disorder. Also called: F9-related condition.
F9 POLYMORPHISM.
Thrombophilia, X-linked, due to factor 9 defect. Identifiers: MedGen C2749016, MONDO:0010432, OMIM 300807.
Hereditary factor IX deficiency disease (HEMB). Also called: F9 DEFICIENCY; FACTOR IX DEFICIENCY; Hemophilia B; PLASMA THROMBOPLASTIN COMPONENT DEFICIENCY; Christmas Disease. Identifiers: Orphanet 98879, MedGen C0008533, MeSH D002836, MONDO:0010604, OMIM 306900.

Allele frequency attached by ClinVar (database versions not stated): 1000 Genomes Project 30x 0.00062; 1000 Genomes Project 0.00079; TOPMed 0.00106; gnomAD 0.00110 and 0.00112; gnomAD exomes 0.00137 and 0.00165; ExAC 0.00144.
gnomAD v4.1: 1,925 of 1,198,637 alleles (0.16%); highest among the groups gnomAD compares: Middle Eastern, 0.21%; 2 homozygotes.

Submissions (6):

Labcorp Genetics (formerly Invitae), Labcorp
Classification: Benign for Thrombophilia, X-linked, due to factor 9 defect; Hereditary factor IX deficiency disease. Last evaluated: 2026-01-31. Review status: criteria provided, single submitter. Criteria: Invitae Variant Classification Sherloc (09022015). Collection method: clinical testing. Allele origin: germline.

Blueprint Genetics
Classification: Likely benign. Last evaluated: 2024-09-27. Review status: criteria provided, single submitter. Criteria: ACMG Guidelines, 2015. Collection method: clinical testing. Allele origin: germline.

Illumina Laboratory Services, Illumina
Classification: Likely benign for Hereditary factor IX deficiency disease. Last evaluated: 2017-04-27. Review status: criteria provided, single submitter. Criteria: ICSL Variant Classification Criteria 13 December 2019. Collection method: clinical testing. Allele origin: germline.
Comment: This variant was observed as part of a predisposition screen in an ostensibly healthy population. A literature search was performed for the gene, cDNA change, and amino acid change (where applicable). Publications were found based on this search. The evidence from the literature, in combination with allele frequency data from public databases where available, was sufficient to determine this variant is unlikely to cause disease. Therefore, this variant is classified as likely benign.

Breakthrough Genomics
Classification: Likely benign. Review status: criteria provided, single submitter. Criteria: ACMG Guidelines, 2015. Collection method: not provided. Allele origin: germline. Inheritance: X-linked inheritance. Affected: yes.

PreventionGenetics, part of Exact Sciences
Classification: Likely benign for F9-related condition. Last evaluated: 2019-03-21. Review status: no assertion criteria provided. Collection method: clinical testing. Allele origin: germline. Not counted in ClinVar's aggregate classification.
Comment: This variant is classified as likely benign based on ACMG/AMP sequence variant interpretation guidelines (Richards et al. 2015 PMID: 25741868, with internal and published modifications).

OMIM
Classification: Benign for FACTOR IX, DNA POLYMORPHISM. Last evaluated: 1989-09-01. Review status: no assertion criteria provided. Collection method: literature only. Allele origin: germline. Not counted in ClinVar's aggregate classification.

Literature cited by the submitters: PubMed 25851415 (cited by Illumina Laboratory Services, Illumina); PubMed 2773937 (cited by Illumina Laboratory Services, Illumina and OMIM); PubMed 23617593 (cited by Illumina Laboratory Services, Illumina); PubMed 2066105 (cited by Illumina Laboratory Services, Illumina); PubMed 2198809 (cited by Illumina Laboratory Services, Illumina); PubMed 8314564 (cited by Illumina Laboratory Services, Illumina).